The following is an entry in ClinVar:

NM_000553.6(WRN):c.2387C>A (p.Ala796Glu)

Gene: WRN (WRN RecQ like helicase; plus strand). Cytogenetic location: 8p12.
Variant type: single nucleotide variant.
Coding change: c.2387C>A on transcript NM_000553.6 (MANE Select); coding-DNA position 2387, C replaced by A.
Protein change: p.Ala796Glu; replaces alanine 796 with glutamic acid.
Molecular consequence: missense variant.
Genome position (GRCh38, 1-based): chr8:31,116,467, C>A. VCF-style: chr8-31116467-C-A. GRCh37 (hg19) VCF-style: chr8-30973983-C-A.
Other names: short protein forms A796E.
Identifiers: ClinVar variation 1461229 (VCV001461229.6), dbSNP rs779140898, ClinGen allele CA370913773.
Genomic context (GRCh38, chr8:31,116,467, plus strand): 5'-TGACACAACAAGTTACAGGTGAACTTAGGAAACTGAATCTATCCTGTGGAACATACCATG[C>A]GGGCATGAGTTTTAGCACAAGGAAAGACATTCATCATAGGTTTGTAAGAGATGAAATTCA-3'
Protein context (NP_000544.2, residues 786-806): KLNLSCGTYH[Ala796Glu]GMSFSTRKDI

ClinVar aggregate classification (germline): Uncertain significance (1 of 4 stars; one submission).

Conditions:
Werner syndrome (WRN). Identifiers: Orphanet 902, MedGen C0043119, MONDO:0010196, OMIM 277700.

Submission:

Labcorp Genetics (formerly Invitae), Labcorp
Classification: Uncertain significance for Werner syndrome. Last evaluated: 2021-03-14. Review status: criteria provided, single submitter. Criteria: Invitae Variant Classification Sherloc (09022015). Collection method: clinical testing. Allele origin: germline.
Comment: In summary, the available evidence is currently insufficient to determine the role of this variant in disease. Therefore, it has been classified as a Variant of Uncertain Significance. Algorithms developed to predict the effect of missense changes on protein structure and function are either unavailable or do not agree on the potential impact of this missense change (SIFT: "Not Available"; PolyPhen-2: "Probably Damaging"; Align-GVGD: "Not Available"). This variant has not been reported in the literature in individuals with WRN-related conditions. This variant is not present in population databases (ExAC no frequency). This sequence change replaces alanine with glutamic acid at codon 796 of the WRN protein (p.Ala796Glu). The alanine residue is highly conserved and there is a moderate physicochemical difference between alanine and glutamic acid.